The following is an entry in ClinVar:

ClinVar aggregate classification (germline): Benign. Review status: criteria provided, multiple submitters, no conflicts (2 of 4 stars). 2 submissions from 2 submitters: Benign (2). Last evaluated 2018-06-16.

Allele frequency attached by ClinVar (database versions not stated): gnomAD 0.03732 and 0.04280; TOPMed 0.03868; gnomAD exomes 0.05385; 1000 Genomes Project 30x 0.08916; 1000 Genomes Project 0.08946.
gnomAD v4.1: 29,752 of 589,396 alleles (5%); highest among the groups gnomAD compares: Admixed American, 15%; 1,605 homozygotes.

Submissions (2):

GeneDx
Classification: Benign. Last evaluated: 2018-06-16. Review status: criteria provided, single submitter. Criteria: GeneDx Variant Classification (06012015). Collection method: clinical testing. Allele origin: germline. Affected: yes.
Comment: This variant is considered likely benign or benign based on one or more of the following criteria: it is a conservative change, it occurs at a poorly conserved position in the protein, it is predicted to be benign by multiple in silico algorithms, and/or has population frequency not consistent with disease.

Breakthrough Genomics
Classification: Benign. Review status: criteria provided, single submitter. Criteria: ACMG Guidelines, 2015. Collection method: not provided. Allele origin: germline. Inheritance: Autosomal recessive inheritance. Affected: yes.

NM_139343.3(BIN1):c.1132-222G>A

Gene: BIN1 (bridging integrator 1; minus strand). Cytogenetic location: 2q14.3.
Variant type: single nucleotide variant.
Coding change: c.1132-222G>A on transcript NM_139343.3 (MANE Select); 222 bases into the intron before coding-DNA position 1132, G replaced by A.
Molecular consequence: intron variant.
Genome position (GRCh38, 1-based): chr2:127,054,234, C>T on the plus strand (G>A on the coding strand, the complement: BIN1 is on the minus strand). VCF-style: chr2-127054234-C-T. GRCh37 (hg19) VCF-style: chr2-127811810-C-T.
Other names: c.910-1872G>A (NM_139349.3); c.1039-2991G>A (NM_139348.3); c.1039-1872G>A (NM_139347.3); c.1039-222G>A (NM_001320641.2); c.955-3322G>A (NM_001320632.2); c.955-2991G>A (NM_004305.4); c.1084-2991G>A (NM_139346.3); c.1003-2991G>A (NM_001320633.2); and 7 more.
Identifiers: ClinVar variation 671709 (VCV000671709.2), dbSNP rs75539206, ClinGen allele CA55340749.